The following is an entry in ClinVar:

ClinVar aggregate classification (germline): Conflicting classifications of pathogenicity. Review status: criteria provided, conflicting classifications (1 of 4 stars). 9 submissions from 9 submitters: Uncertain significance (8); Benign (1). Last evaluated 2026-03-04.

Conditions:
Charcot-Marie-Tooth disease type 4B3. Also called: Charcot-Marie-Tooth Neuropathy Type 4B3; CHARCOT-MARIE-TOOTH DISEASE, DEMYELINATING, TYPE 4B3. Identifiers: Orphanet 363981, MedGen C3695063, MONDO:0014117, OMIM 615284.
Tip-toe gait. Also called: Toe walking. Identifiers: MedGen C0427144, HP:0030051.

Allele frequency attached by ClinVar (database versions not stated): ExAC below 0.00001; gnomAD exomes 0.00050 and 0.00101; TOPMed 0.00070; gnomAD 0.00072 and 0.00075.
gnomAD v4.1: 1,429 of 1,462,520 alleles (0.098%); highest among the groups gnomAD compares: Non-Finnish European, 0.12%; 1 homozygote.

Submissions (9):

Women's Health and Genetics/Laboratory Corporation of America, LabCorp
Classification: Uncertain significance. Last evaluated: 2026-03-04. Review status: criteria provided, single submitter. Criteria: LabCorp Variant Classification Summary - May 2015. Collection method: clinical testing. Allele origin: germline.
Comment: Variant summary: SBF1 c.55G>C (p.Gly19Arg) results in a non-conservative amino acid change in the encoded protein sequence near a canonical splice site. Algorithms developed to predict the effect of missense changes on protein structure and function are either unavailable or do not agree on the potential impact of this missense change. Several computational tools predict a significant impact on normal splicing: Four predict the variant weakens a 5' donor site. However, these predictions have yet to be confirmed by functional studies. The variant allele was found at a frequency of 0.0005 in 80306 control chromosomes. This frequency is not significantly higher than estimated for disease-causing variants in SBF1, allowing no conclusion about variant significance. To our knowledge, no occurrence of c.55G>C in individuals affected with SBF1-related conditions and no experimental evidence demonstrating its impact on protein function have been reported. ClinVar contains an entry for this variant (Variation ID: 994425). Based on the evidence outlined above, the variant was classified as uncertain significance.

GeneDx
Classification: Uncertain significance. Last evaluated: 2025-06-03. Review status: criteria provided, single submitter. Criteria: GeneDx Variant Classification Process June 2021. Collection method: clinical testing. Allele origin: germline. Affected: yes.
Comment: In silico analysis suggests that this missense variant does not alter protein structure/function; Has not been previously published as pathogenic or benign to our knowledge; This variant is associated with the following publications: (PMID: 9536098, 17576681)

Mayo Clinic Laboratories, Mayo Clinic
Classification: Uncertain significance. Last evaluated: 2025-04-08. Review status: criteria provided, single submitter. Criteria: ACMG Guidelines, 2015. Collection method: clinical testing. Allele origin: germline. Observed: 5 variant alleles.
Comment: BP4_moderate, PM2_supporting

Blueprint Genetics
Classification: Uncertain significance. Last evaluated: 2024-10-24. Review status: criteria provided, single submitter. Criteria: ACMG Guidelines, 2015. Collection method: clinical testing. Allele origin: germline.

Practice for Gait Abnormalities, David Pomarino, Competency Network Toe Walking C/o Practice Pomarino
Classification: Benign for Tip-toe gait. Last evaluated: 2024-08-20. Review status: criteria provided, single submitter. Criteria: Pomarino et al. (Glob Med Genet. 2023). Collection method: clinical testing. Allele origin: germline. Affected: yes.

CeGaT Center for Human Genetics Tuebingen
Classification: Uncertain significance. Last evaluated: 2024-06-01. Review status: criteria provided, single submitter. Criteria: CeGaT Center For Human Genetics Tuebingen Variant Classification Criteria Version 2. Collection method: clinical testing. Allele origin: germline. Affected: yes. Observed: 2 variant alleles.

Labcorp Genetics (formerly Invitae), Labcorp
Classification: Uncertain significance. Last evaluated: 2024-01-29. Review status: criteria provided, single submitter. Criteria: Invitae Variant Classification Sherloc (09022015). Collection method: clinical testing. Allele origin: germline.
Comment: This sequence change replaces glycine, which is neutral and non-polar, with arginine, which is basic and polar, at codon 19 of the SBF1 protein (p.Gly19Arg). This variant also falls at the last nucleotide of exon 1, which is part of the consensus splice site for this exon. This variant is present in population databases (rs765666942, gnomAD 0.1%), and has an allele count higher than expected for a pathogenic variant. This variant has not been reported in the literature in individuals affected with SBF1-related conditions. ClinVar contains an entry for this variant (Variation ID: 994425). An algorithm developed to predict the effect of missense changes on protein structure and function (PolyPhen-2) suggests that this variant is likely to be disruptive. Variants that disrupt the consensus splice site are a relatively common cause of aberrant splicing (PMID: 17576681, 9536098). In summary, the available evidence is currently insufficient to determine the role of this variant in disease. Therefore, it has been classified as a Variant of Uncertain Significance.

ARUP Laboratories, Molecular Genetics and Genomics, ARUP Laboratories
Classification: Uncertain significance for Charcot-Marie-Tooth disease type 4B3. Last evaluated: 2020-08-30. Review status: criteria provided, single submitter. Criteria: ARUP Molecular Germline Variant Investigation Process. Collection method: clinical testing. Allele origin: germline.
Comment: The SBF1 c.55G>C; p.Gly19Arg variant (rs765666942), to our knowledge, is not reported in the medical literature, gene specific variation databases. This variant is found in the general population with an overall allele frequency of 0.05 % (59 / 110,290 alleles) in the Genome Aggregation Database. The glycine at position 19 is moderately conserved, and computational analyses of the effects of the p.Gly19Arg variant on protein structure and function do not predict a deleterious effect (SIFT: tolerated, PolyPhen-2: benign). Based on the available information, the clinical significance of the p.Gly19Arg variant cannot be determined with certainty.

Breakthrough Genomics
Classification: Uncertain significance. Review status: criteria provided, single submitter. Criteria: ACMG Guidelines, 2015. Collection method: not provided. Allele origin: germline. Inheritance: Autosomal dominant inheritance. Affected: yes.

Literature cited by the submitters: PubMed 17576681 (cited by Labcorp Genetics (formerly Invitae), Labcorp); PubMed 9536098 (cited by Labcorp Genetics (formerly Invitae), Labcorp).

NM_002972.4(SBF1):c.55G>C (p.Gly19Arg)

Gene: SBF1 (SET binding factor 1; minus strand). Cytogenetic location: 22q13.33.
Variant type: single nucleotide variant.
Coding change: c.55G>C on transcript NM_002972.4 (MANE Select); coding-DNA position 55, G replaced by C.
Protein change: p.Gly19Arg; replaces glycine 19 with arginine.
Molecular consequence: missense variant.
Genome position (GRCh38, 1-based): chr22:50,474,786, C>G on the plus strand (G>C on the coding strand, the complement: SBF1 is on the minus strand). VCF-style: chr22-50474786-C-G. GRCh37 (hg19) VCF-style: chr22-50913215-C-G.
Other names: p.Gly19Arg; c.55G>C, p.Gly19Arg (NM_001365819.1); short protein forms G19R.
Identifiers: ClinVar variation 994425 (VCV000994425.46), dbSNP rs765666942, ClinGen allele CA10318273.